The following is an entry in ClinVar:

ClinVar aggregate classification (germline): Likely benign (1 of 4 stars; one submission).

Allele frequency attached by ClinVar (database versions not stated): 1000 Genomes Project 30x 0.00031; 1000 Genomes Project 0.00040; TOPMed 0.00068; gnomAD exomes 0.00078; gnomAD 0.00087; ESP Exome Variant Server 0.00092; ExAC 0.00105.
gnomAD v4.1: 1,305 of 1,613,966 alleles (0.081%); highest among the groups gnomAD compares: South Asian, 0.21%; 3 homozygotes.

Submission:

CeGaT Center for Human Genetics Tuebingen
Classification: Likely benign. Last evaluated: 2025-03-01. Review status: criteria provided, single submitter. Criteria: CeGaT Center For Human Genetics Tuebingen Variant Classification Criteria Version 2. Collection method: clinical testing. Allele origin: germline. Affected: yes. Observed: 2 variant alleles.
Comment: COL6A6: BP4, BS2

NM_001102608.3(COL6A6):c.6060C>T (p.Phe2020=)

Gene: COL6A6 (collagen type VI alpha 6 chain; plus strand). Cytogenetic location: 3q22.1.
Variant type: single nucleotide variant.
Coding change: c.6060C>T on transcript NM_001102608.3 (MANE Select); coding-DNA position 6060, C replaced by T.
Protein change: p.Phe2020=; no amino-acid change (phenylalanine 2020 retained).
Molecular consequence: synonymous variant.
Genome position (GRCh38, 1-based): chr3:130,661,866, C>T. VCF-style: chr3-130661866-C-T. GRCh37 (hg19) VCF-style: chr3-130380710-C-T.
Identifiers: ClinVar variation 2654143 (VCV002654143.24), dbSNP rs201325545, ClinGen allele CA2613575.
Genomic context (GRCh38, chr3:130,661,866, plus strand): 5'-GCCGGAGACTTCTGTCACTGGAGACCGGGTGGCCCTATTGAGCCATGCTCCCCCCGACTT[C>T]CTACCCAACACTCAGAAGAGTCCAGTTAGAGCTGAGTTCAATCTTACCACCTACAGAAGT-3'
Protein context (NP_001096078.1, residues 2010-2030): VALLSHAPPD[Phe2020=]LPNTQKSPVR